The following is an entry in ClinVar:

NM_001080477.4(TENM3):c.6020T>G (p.Phe2007Cys)

Gene: TENM3 (teneurin transmembrane protein 3; plus strand). Cytogenetic location: 4q35.1.
Variant type: single nucleotide variant.
Coding change: c.6020T>G on transcript NM_001080477.4 (MANE Select); coding-DNA position 6020, T replaced by G.
Protein change: p.Phe2007Cys; replaces phenylalanine 2007 with cysteine.
Molecular consequence: missense variant.
Genome position (GRCh38, 1-based): chr4:182,792,692, T>G. VCF-style: chr4-182792692-T-G. GRCh37 (hg19) VCF-style: chr4-183713845-T-G.
Other names: c.5252T>G, p.Phe1751Cys (NM_001415960.1); c.5225T>G, p.Phe1742Cys (NM_001415961.1); c.5222T>G, p.Phe1741Cys (NM_001415962.1); c.5204T>G, p.Phe1735Cys (NM_001415963.1); c.5201T>G, p.Phe1734Cys (NM_001415964.1); c.5738T>G, p.Phe1913Cys (NM_001415966.1); c.5762T>G, p.Phe1921Cys (NM_001415967.1); c.6038T>G, p.Phe2013Cys (NM_001415968.1); and 4 more; short protein forms F1734C, F1735C, F1741C, F1742C, F1751C, F1913C, F1914C, F1921C.
Identifiers: ClinVar variation 4681172 (VCV004681172.1).
Genomic context (GRCh38, chr4:182,792,692, plus strand): 5'-TTATTTGCACCATTAGATACAGGCAAATTGGTCCCCTGATTGACAGGCAGATTTTCCGCT[T>G]TAGTGAAGATGGGATGGTAAATGCAAGATTTGACTATAGCTATGACAACAGCTTTCGAGT-3'
Protein context (NP_001073946.1, residues 1997-2017): GPLIDRQIFR[Phe2007Cys]SEDGMVNARF

ClinVar aggregate classification (germline): Uncertain significance (1 of 4 stars; one submission).

gnomAD v4.1: 10 of 1,613,922 alleles (0.00062%); highest among the groups gnomAD compares: Admixed American, 0.015%; no homozygotes.

Submission:

GeneDx
Classification: Uncertain significance. Last evaluated: 2025-07-05. Review status: criteria provided, single submitter. Criteria: GeneDx Variant Classification Process June 2021. Collection method: clinical testing. Allele origin: germline. Affected: yes.
Comment: In silico analysis supports that this missense variant has a deleterious effect on protein structure/function; Has not been previously published as pathogenic or benign to our knowledge